The following is an entry in ClinVar:

NM_014698.3(TMEM63A):c.77G>T (p.Arg26Leu)

Gene: TMEM63A (transmembrane protein 63A; minus strand). Cytogenetic location: 1q42.12.
Variant type: single nucleotide variant.
Coding change: c.77G>T on transcript NM_014698.3 (MANE Select); coding-DNA position 77, G replaced by T.
Protein change: p.Arg26Leu; replaces arginine 26 with leucine.
Molecular consequence: missense variant.
Genome position (GRCh38, 1-based): chr1:225,877,504, C>A on the plus strand (G>T on the coding strand, the complement: TMEM63A is on the minus strand). VCF-style: chr1-225877504-C-A. GRCh37 (hg19) VCF-style: chr1-226065204-C-A.
Other names: short protein forms R26L.
Identifiers: ClinVar variation 2252843 (VCV002252843.3), dbSNP rs753093672, ClinGen allele CA38549169.

ClinVar aggregate classification (germline): Uncertain significance. Review status: criteria provided, multiple submitters, no conflicts (2 of 4 stars). 2 submissions from 2 submitters: Uncertain significance (2). Last evaluated 2026-05-27.

Conditions:
TMEM63A-related disorder. Also called: TMEM63A-related condition.
Inborn genetic diseases. Identifiers: MedGen C0950123, MeSH D030342.

Allele frequency attached by ClinVar (database versions not stated): TOPMed 0.00004.

Submissions (2):

PreventionGenetics, part of Exact Sciences
Classification: Uncertain significance for TMEM63A-related condition. Last evaluated: 2026-05-27. Review status: criteria provided, single submitter. Criteria: ACMG Guidelines, 2015. Collection method: clinical testing. Allele origin: germline.
Comment: The TMEM63A c.77G>T variant is predicted to result in the amino acid substitution p.Arg26Leu. To our knowledge, this variant has not been reported in the literature or in a large population database (gnomAD), indicating this variant is rare. At this time, the clinical significance of this variant is uncertain due to the absence of conclusive functional and genetic evidence.

Ambry Genetics
Classification: Uncertain significance for Inborn genetic diseases. Last evaluated: 2021-09-30. Review status: criteria provided, single submitter. Criteria: Ambry Variant Classification Scheme 2023. Collection method: clinical testing. Allele origin: germline.